The following is an entry in ClinVar:

ClinVar aggregate classification (germline): Uncertain significance (1 of 4 stars; one submission).

Submission:

Labcorp Genetics (formerly Invitae), Labcorp
Classification: Uncertain significance. Last evaluated: 2025-03-17. Review status: criteria provided, single submitter. Criteria: Invitae Variant Classification Sherloc (09022015). Collection method: clinical testing. Allele origin: germline.
Comment: This sequence change replaces tyrosine, which is neutral and polar, with aspartic acid, which is acidic and polar, at codon 552 of the PTCHD1 protein (p.Tyr552Asp). This variant is not present in population databases (gnomAD no frequency). This variant has not been reported in the literature in individuals affected with PTCHD1-related conditions. Invitae Evidence Modeling of protein sequence and biophysical properties (such as structural, functional, and spatial information, amino acid conservation, physicochemical variation, residue mobility, and thermodynamic stability) indicates that this missense variant is not expected to disrupt PTCHD1 protein function with a negative predictive value of 80%. In summary, the available evidence is currently insufficient to determine the role of this variant in disease. Therefore, it has been classified as a Variant of Uncertain Significance.

NM_173495.3(PTCHD1):c.1654T>G (p.Tyr552Asp)

Gene: PTCHD1 (patched domain containing 1; plus strand). Cytogenetic location: Xp22.11.
Variant type: single nucleotide variant.
Coding change: c.1654T>G on transcript NM_173495.3 (MANE Select); coding-DNA position 1654, T replaced by G.
Protein change: p.Tyr552Asp; replaces tyrosine 552 with aspartic acid.
Molecular consequence: missense variant.
Genome position (GRCh38, 1-based): chrX:23,393,172, T>G. VCF-style: chrX-23393172-T-G. GRCh37 (hg19) VCF-style: chrX-23411289-T-G.
Other names: short protein forms Y552D.
Identifiers: ClinVar variation 4742986 (VCV004742986.1).